The following is an entry in ClinVar:

ClinVar aggregate classification (germline): Pathogenic (1 of 4 stars; one submission).

Conditions:
Breast-ovarian cancer, familial, susceptibility to, 2 (BROVCA2). Also called: BRCA2 Hereditary Breast and Ovarian Cancer. Identifiers: Orphanet 145, MedGen C2675520, MONDO:0012933, OMIM 612555. Disease mechanism: loss of function.

Submission:

Dasa
Classification: Pathogenic for Breast-ovarian cancer, familial, susceptibility to, 2. Last evaluated: 2025-09-17. Review status: criteria provided, single submitter. Criteria: DASA Assertion Criteria. Collection method: clinical testing. Allele origin: germline.
Comment: NM_000059.4(BRCA2):c.3482dup (p.Asp1161Glufs*3) introduces a premature termination codon predicted to result in loss of normal protein function. Loss-of-function is an established mechanism of disease for this gene. The affected residue or protein region has prior evidence supporting clinical relevance. The variant is present at low frequency in population datasets. Based on the available data, this variant is classified as pathogenic.

NM_000059.4(BRCA2):c.3482dup (p.Asp1161fs)

Gene: BRCA2 (BRCA2 DNA repair associated; plus strand). Cytogenetic location: 13q13.1.
Variant type: Duplication.
Coding change: c.3482dup on transcript NM_000059.4 (MANE Select); coding-DNA position 3482, one base duplicated (A; older notation c.3482dupA).
Protein change: p.Asp1161fs; shifts the reading frame from aspartic acid 1161.
Molecular consequence: frameshift variant. On other transcripts: non-coding transcript variant (1), intron variant (2).
Genome position (GRCh38, 1-based): chr13:32,337,837, A duplicated. VCF-style (leftmost placement, unchanged base first): chr13-32337836-G-GA. GRCh37 (hg19) VCF-style: chr13-32911973-G-GA.
Other names: c.3482dup, p.Asp1161fs (NM_001406719.1, NM_001406720.1, NM_001432077.1); c.1909+4450dup (NM_001406721.1); c.425-6721dup (NM_001406722.1); short protein forms D1161fs.
Identifiers: ClinVar variation 4852014 (VCV004852014.1).